The following is an entry in ClinVar:

NM_001378418.1(TCF20):c.1783G>A (p.Gly595Arg)

Gene: TCF20 (transcription factor 20; minus strand). Cytogenetic location: 22q13.2.
Variant type: single nucleotide variant.
Coding change: c.1783G>A on transcript NM_001378418.1 (MANE Select); coding-DNA position 1783, G replaced by A.
Protein change: p.Gly595Arg; replaces glycine 595 with arginine.
Molecular consequence: missense variant.
Genome position (GRCh38, 1-based): chr22:42,213,523, C>T on the plus strand (G>A on the coding strand, the complement: TCF20 is on the minus strand). VCF-style: chr22-42213523-C-T. GRCh37 (hg19) VCF-style: chr22-42609529-C-T.
Other names: c.1783G>A, p.Gly595Arg (NM_005650.4, NM_181492.3); short protein forms G595R.
Identifiers: ClinVar variation 2637821 (VCV002637821.1), dbSNP rs779668204, ClinGen allele CA10267115.

ClinVar aggregate classification (germline): Uncertain significance (1 of 4 stars; one submission).

Allele frequency attached by ClinVar (database versions not stated): ExAC 0.00002; TOPMed 0.00002; gnomAD 0.00003.
gnomAD v4.1: 12 of 1,614,058 alleles (0.00074%); highest among the groups gnomAD compares: African/African-American, 0.008%; no homozygotes.

Submission:

Women's Health and Genetics/Laboratory Corporation of America, LabCorp
Classification: Uncertain significance. Last evaluated: 2023-10-19. Review status: criteria provided, single submitter. Criteria: LabCorp Variant Classification Summary - May 2015. Collection method: clinical testing. Allele origin: germline.
Comment: Variant summary: TCF20 c.1783G>A (p.Gly595Arg) results in a non-conservative amino acid change in the encoded protein sequence. Four of five in-silico tools predict a benign effect of the variant on protein function. The variant allele was found at a frequency of 1.6e-05 in 251422 control chromosomes (gnomAD). The available data on variant occurrences in the general population are insufficient to allow any conclusion about variant significance. To our knowledge, no occurrence of c.1783G>A in individuals affected with Developmental Delay With Variable Intellectual Impairment And Behavioral Abnormalities and no experimental evidence demonstrating its impact on protein function have been reported. No submitters have cited clinical-significance assessments for this variant to ClinVar after 2014. Based on the evidence outlined above, the variant was classified as uncertain significance.